The following is an entry in ClinVar:

NM_015331.3(NCSTN):c.1967T>C (p.Ile656Thr)

Gene: NCSTN (nicastrin; plus strand). Cytogenetic location: 1q23.2.
Variant type: single nucleotide variant.
Coding change: c.1967T>C on transcript NM_015331.3 (MANE Select); coding-DNA position 1967, T replaced by C.
Protein change: p.Ile656Thr; replaces isoleucine 656 with threonine.
Molecular consequence: missense variant. On other transcripts: intron variant (1).
Genome position (GRCh38, 1-based): chr1:160,357,213, T>C. VCF-style: chr1-160357213-T-C. GRCh37 (hg19) VCF-style: chr1-160327003-T-C.
Other names: c.1907T>C, p.Ile636Thr (NM_001290184.2); c.1553T>C, p.Ile518Thr (NM_001290186.2); c.1794+459T>C (NM_001349729.2); short protein forms I656T, I518T, I636T.
Identifiers: ClinVar variation 2371144 (VCV002371144.5), dbSNP rs200406795, ClinGen allele CA1199136.
Genomic context (GRCh38, chr1:160,357,213, plus strand): 5'-AACTGAGTCAGTGGAGCTCTACTGAATACTCTACATGGACTGAGAGCCGCTGGAAAGATA[T>C]CCGTGCCCGGATATTTCTCATCGCCAGCAAAGAGCTTGAGGTGAGATGGGGCAGGGGCAT-3'
Protein context (NP_056146.1, residues 646-666): STWTESRWKD[Ile656Thr]RARIFLIASK

ClinVar aggregate classification (germline): Uncertain significance. Review status: criteria provided, multiple submitters, no conflicts (2 of 4 stars). 2 submissions from 2 submitters: Uncertain significance (2). Last evaluated 2025-04-24.

Conditions:
Inborn genetic diseases. Identifiers: MedGen C0950123, MeSH D030342.

Allele frequency attached by ClinVar (database versions not stated): ExAC 0.00002; TOPMed 0.00002; gnomAD 0.00003.
gnomAD v4.1: 32 of 1,614,018 alleles (0.002%); highest among the groups gnomAD compares: Non-Finnish European, 0.0026%; no homozygotes.

Submissions (2):

Labcorp Genetics (formerly Invitae), Labcorp
Classification: Uncertain significance. Last evaluated: 2025-04-24. Review status: criteria provided, single submitter. Criteria: Invitae Variant Classification Sherloc (09022015). Collection method: clinical testing. Allele origin: germline.
Comment: This sequence change replaces isoleucine, which is neutral and non-polar, with threonine, which is neutral and polar, at codon 656 of the NCSTN protein (p.Ile656Thr). This variant is present in population databases (rs200406795, gnomAD 0.003%). This variant has not been reported in the literature in individuals affected with NCSTN-related conditions. ClinVar contains an entry for this variant (Variation ID: 2371144). Invitae Evidence Modeling of protein sequence and biophysical properties (such as structural, functional, and spatial information, amino acid conservation, physicochemical variation, residue mobility, and thermodynamic stability) indicates that this missense variant is not expected to disrupt NCSTN protein function with a negative predictive value of 80%. In summary, the available evidence is currently insufficient to determine the role of this variant in disease. Therefore, it has been classified as a Variant of Uncertain Significance.

Ambry Genetics
Classification: Uncertain significance for Inborn genetic diseases. Last evaluated: 2022-11-18. Review status: criteria provided, single submitter. Criteria: Ambry Variant Classification Scheme 2023. Collection method: clinical testing. Allele origin: germline.